The following is an entry in ClinVar:

NM_006073.4(TRDN):c.1804A>T (p.Lys602Ter)

Gene: TRDN (triadin; minus strand). Cytogenetic location: 6q22.31.
Variant type: single nucleotide variant.
Coding change: c.1804A>T on transcript NM_006073.4 (MANE Select); coding-DNA position 1804, A replaced by T.
Protein change: p.Lys602Ter; replaces lysine 602 with a stop codon.
Molecular consequence: nonsense.
Genome position (GRCh38, 1-based): chr6:123,265,318, T>A on the plus strand (A>T on the coding strand, the complement: TRDN is on the minus strand). VCF-style: chr6-123265318-T-A. GRCh37 (hg19) VCF-style: chr6-123586463-T-A.
Other names: short protein forms K602*.
Identifiers: ClinVar variation 1346733 (VCV001346733.9), dbSNP rs2114598456, ClinGen allele CA365563803.

ClinVar aggregate classification (germline): Uncertain significance (1 of 4 stars; one submission).

Conditions:
Catecholaminergic polymorphic ventricular tachycardia 1. Also called: VENTRICULAR TACHYCARDIA, CATECHOLAMINERGIC POLYMORPHIC, 1, WITH OR WITHOUT ATRIAL DYSFUNCTION AND/OR DILATED CARDIOMYOPATHY; VENTRICULAR TACHYCARDIA, STRESS-INDUCED POLYMORPHIC 1; RYR2-Related Catecholaminergic Polymorphic Ventricular Tachycardia. Identifiers: Orphanet 3286, MedGen C1631597, MONDO:0011484, OMIM 604772.

Submission:

Labcorp Genetics (formerly Invitae), Labcorp
Classification: Uncertain significance for Catecholaminergic polymorphic ventricular tachycardia 1. Last evaluated: 2020-12-04. Review status: criteria provided, single submitter. Criteria: Invitae Variant Classification Sherloc (09022015). Collection method: clinical testing. Allele origin: germline.
Comment: This variant has not been reported in the literature in individuals with TRDN-related conditions. In summary, the available evidence is currently insufficient to determine the role of this variant in disease. Therefore, it has been classified as a Variant of Uncertain Significance. Algorithms developed to predict the effect of sequence changes on RNA splicing suggest that this variant may disrupt the consensus splice site, but this prediction has not been confirmed by published transcriptional studies. This variant is not present in population databases (ExAC no frequency). This sequence change creates a premature translational stop signal (p.Lys602*) in the TRDN gene. While this is not anticipated to result in nonsense mediated decay, it is expected to disrupt the last 128 amino acid(s) of the TRDN protein.